The following is an entry in ClinVar:

NM_002658.6(PLAU):c.601C>T (p.Arg201Trp)

Genes: C10orf55 (chromosome 10 putative open reading frame 55; minus strand), PLAU (plasminogen activator, urokinase; plus strand), LOC126860960 (BRD4-independent group 4 enhancer GRCh37_chr10:75672789-75673988; plus strand). Cytogenetic location: 10q22.2.
Variant type: single nucleotide variant.
Coding change: c.601C>T on transcript NM_002658.6 (MANE Select); coding-DNA position 601, C replaced by T.
Protein change: p.Arg201Trp; replaces arginine 201 with tryptophan.
Molecular consequence: missense variant.
Genome position (GRCh38, 1-based): chr10:73,913,679, C>T. VCF-style: chr10-73913679-C-T. GRCh37 (hg19) VCF-style: chr10-75673437-C-T.
Other names: c.550C>T, p.Arg184Trp (NM_001145031.3); c.343C>T, p.Arg115Trp (NM_001319191.2); c.601C>T (NM_002658.4); short protein forms R115W, R184W, R201W.
Identifiers: ClinVar variation 2455752 (VCV002455752.6), dbSNP rs145070893, ClinGen allele CA5562473.
Genomic context (GRCh38, chr10:73,913,679, plus strand): 5'-GGGGGAGAATTCACCACCATCGAGAACCAGCCCTGGTTTGCGGCCATCTACAGGAGGCAC[C>T]GGGGGGGCTCTGTCACCTACGTGTGTGGAGGCAGCCTCATCAGCCCTTGCTGGGTGATCA-3'
Protein context (NP_002649.2, residues 191-211): PWFAAIYRRH[Arg201Trp]GGSVTYVCGG

ClinVar aggregate classification (germline): Conflicting classifications of pathogenicity. Review status: criteria provided, conflicting classifications (1 of 4 stars). 3 submissions from 3 submitters: Uncertain significance (2); Likely benign (1). Last evaluated 2025-05-01.

Conditions:
PLAU-related disorder. Also called: PLAU-related condition.

Allele frequency attached by ClinVar (database versions not stated): ESP Exome Variant Server 0.00031; 1000 Genomes Project 0.00040; ExAC 0.00028; 1000 Genomes Project 30x 0.00031.
gnomAD v4.1: 610 of 1,613,348 alleles (0.038%); highest among the groups gnomAD compares: Middle Eastern, 0.05%; no homozygotes.

Submissions (3):

Ambry Genetics
Classification: Uncertain significance. Last evaluated: 2025-05-01. Review status: criteria provided, single submitter. Criteria: Ambry Variant Classification Scheme 2023. Collection method: clinical testing. Allele origin: germline.

PreventionGenetics, part of Exact Sciences
Classification: Likely benign for PLAU-related condition. Last evaluated: 2025-02-19. Review status: criteria provided, single submitter. Criteria: ACMG Guidelines, 2015. Collection method: clinical testing. Allele origin: germline.
Comment: This variant is classified as likely benign based on ACMG/AMP sequence variant interpretation guidelines (Richards et al. 2015 PMID: 25741868, with internal and published modifications).

Women's Health and Genetics/Laboratory Corporation of America, LabCorp
Classification: Uncertain significance. Last evaluated: 2025-01-16. Review status: criteria provided, single submitter. Criteria: LabCorp Variant Classification Summary - May 2015. Collection method: clinical testing. Allele origin: germline.
Comment: Variant summary: PLAU c.601C>T (p.Arg201Trp) results in a non-conservative amino acid change located in the serine proteases, trypsin domain (IPR001254) of the encoded protein sequence. Four of five in-silico tools predict a damaging effect of the variant on protein function. The variant allele was found at a frequency of 0.00024 in 249492 control chromosomes. This frequency is not significantly higher than estimated for a pathogenic variant in PLAU causing Quebec Platelet Disorder, allowing no conclusion about variant significance. To our knowledge, no occurrence of c.601C>T in individuals affected with Quebec Platelet Disorder and no experimental evidence demonstrating its impact on protein function have been reported. ClinVar contains an entry for this variant (Variation ID: 2455752). Based on the evidence outlined above, the variant was classified as uncertain significance.